The following is an entry in ClinVar:

NM_006031.6(PCNT):c.3389G>A (p.Arg1130Gln)

Gene: PCNT (pericentrin; plus strand). Cytogenetic location: 21q22.3.
Variant type: single nucleotide variant.
Coding change: c.3389G>A on transcript NM_006031.6 (MANE Select); coding-DNA position 3389, G replaced by A.
Protein change: p.Arg1130Gln; replaces arginine 1130 with glutamine.
Molecular consequence: missense variant.
Genome position (GRCh38, 1-based): chr21:46,385,908, G>A. VCF-style: chr21-46385908-G-A. GRCh37 (hg19) VCF-style: chr21-47805823-G-A.
Other names: c.3035G>A, p.Arg1012Gln (NM_001315529.2); short protein forms R1130Q, R1012Q.
Identifiers: ClinVar variation 436189 (VCV000436189.8), dbSNP rs140003788, ClinGen allele CA10079277.

ClinVar aggregate classification (germline): Uncertain significance. Review status: criteria provided, multiple submitters, no conflicts (2 of 4 stars). 2 submissions from 2 submitters: Uncertain significance (2). Last evaluated 2026-06-06.

Conditions:
PCNT-related disorder. Also called: PCNT-related condition.

Allele frequency attached by ClinVar (database versions not stated): gnomAD exomes 0.00001 and 0.00003; ExAC 0.00004; gnomAD 0.00007; ESP Exome Variant Server 0.00008; TOPMed 0.00011.
gnomAD v4.1: 29 of 1,614,086 alleles (0.0018%); highest among the groups gnomAD compares: African/African-American, 0.019%; no homozygotes.

Submissions (2):

PreventionGenetics, part of Exact Sciences
Classification: Uncertain significance for PCNT-related condition. Last evaluated: 2026-06-06. Review status: criteria provided, single submitter. Criteria: ACMG Guidelines, 2015. Collection method: clinical testing. Allele origin: germline.
Comment: The PCNT c.3389G>A variant is predicted to result in the amino acid substitution p.Arg1130Gln. To our knowledge, this variant has not been reported in the literature. This variant is reported in 0.025% of alleles in individuals of African descent in gnomAD. At this time, the clinical significance of this variant is uncertain due to the absence of conclusive functional and genetic evidence.

Genetic Services Laboratory, University of Chicago
Classification: Uncertain significance. Last evaluated: 2016-12-30. Review status: criteria provided, single submitter. Criteria: ACMG Guidelines, 2015. Collection method: clinical testing. Allele origin: germline. Affected: no.